The following is an entry in ClinVar:

ClinVar aggregate classification (germline): Likely pathogenic. Review status: criteria provided, multiple submitters, no conflicts (2 of 4 stars). 2 submissions from 2 submitters: Likely pathogenic (2). Last evaluated 2024-12-18.

Conditions:
Mitochondrial complex I deficiency. Also called: NADH:Q(1) OXIDOREDUCTASE DEFICIENCY. Identifiers: Orphanet 2609, MedGen C1838979, MeSH C537475, MONDO:0100133.
Mitochondrial complex I deficiency, nuclear type 16. Also called: Mitochondrial complex 1 deficiency, nuclear type 16. Identifiers: MedGen C4748785, MONDO:0032621, OMIM 618238.

Submissions (2):

Natera, Inc.
Classification: Likely pathogenic for Mitochondrial complex I deficiency. Last evaluated: 2024-12-18. Review status: criteria provided, single submitter. Criteria: Natera Variant Classification Schema (03/2026). Collection method: clinical testing. Allele origin: germline.
Comment: The c.37C>T variant in NDUFAF5 is a nonsense variant predicted to introduce a stop codon at amino acid 13. This variant is expected to result in nonsense mediated decay, truncation, or a dysfunctional protein product. This variant is rare in the general population with a frequency below the threshold expected for the associated phenotype(s). Given the available evidence, this variant is classified as Likely Pathogenic.

Baylor Genetics
Classification: Likely pathogenic for Mitochondrial complex I deficiency, nuclear type 16. Last evaluated: 2023-04-11. Review status: criteria provided, single submitter. Criteria: ACMG Guidelines, 2015. Collection method: clinical testing. Allele origin: unknown.

NM_024120.5(NDUFAF5):c.37C>T (p.Arg13Ter)

Genes: NDUFAF5 (NADH:ubiquinone oxidoreductase complex assembly factor 5; plus strand), LOC130065433 (ATAC-STARR-seq lymphoblastoid active region 17552; plus strand). Cytogenetic location: 20p12.1.
Variant type: single nucleotide variant.
Coding change: c.37C>T on transcript NM_024120.5 (MANE Select); coding-DNA position 37, C replaced by T.
Protein change: p.Arg13Ter; replaces arginine 13 with a stop codon.
Molecular consequence: nonsense. On other transcripts: 5 prime UTR variant (3), non-coding transcript variant (7).
Genome position (GRCh38, 1-based): chr20:13,785,105, C>T. VCF-style: chr20-13785105-C-T. GRCh37 (hg19) VCF-style: chr20-13765751-C-T.
Other names: c.37C>T (NM_024120.4); c.37C>T, p.Arg13Ter (NM_001039375.3, NM_001352408.2); c.-331C>T (NM_001352403.2); c.-545C>T (NM_001352406.2); c.-659C>T (NM_001352407.2); short protein forms R13*.
Identifiers: ClinVar variation 2676977 (VCV002676977.2), dbSNP rs2147463929, ClinGen allele CA408282124.
Genomic context (GRCh38, chr20:13,785,105, plus strand): 5'-CGGCAATTGGGGTCGCAGCTGGAGATGCTGCGGCCGGCAGGGCTCTGGCGCTTATGTCGG[C>T]GACCTTGGGCGGCGAGGGTCCCAGCGGAGAATCTTGGCCGTAGGGAAGTCACCTCTGGTG-3'